The following is an entry in ClinVar:

ClinVar aggregate classification (germline): Pathogenic (1 of 4 stars; one submission).

Conditions:
DICER1-related tumor predisposition. Also called: DICER1-related pleuropulmonary blastoma cancer predisposition syndrome; DICER1 syndrome. Identifiers: Orphanet 284343, MedGen C3839822, MONDO:0100216.

Submission:

Foulkes Cancer Genetics LDI, Lady Davis Institute for Medical Research
Classification: Pathogenic for Pleuropulmonary blastoma. Last evaluated: 2019-07-01. Review status: criteria provided, single submitter. Criteria: ACMG Guidelines, 2015. Collection method: curation. Allele origin: somatic. Affected: yes. Observed: 1 variant allele.
Comment: ACMG criteria met: PS3, PM1, PM2, PM7, PP3, PP4, BP1

Literature cited by the submitters: PubMed 28323992.

NM_177438.3(DICER1):c.5426G>A (p.Gly1809Glu)

Gene: DICER1 (dicer 1, ribonuclease III; minus strand). Cytogenetic location: 14q32.13.
Variant type: single nucleotide variant.
Coding change: c.5426G>A on transcript NM_177438.3 (MANE Select); coding-DNA position 5426, G replaced by A.
Protein change: p.Gly1809Glu; replaces glycine 1809 with glutamic acid.
Molecular consequence: missense variant. On other transcripts: intron variant (1).
Genome position (GRCh38, 1-based): chr14:95,091,304, C>T on the plus strand (G>A on the coding strand, the complement: DICER1 is on the minus strand). VCF-style: chr14-95091304-C-T. GRCh37 (hg19) VCF-style: chr14-95557641-C-T.
Other names: c.5426G>A, p.Gly1809Glu (NM_001271282.3, NM_001291628.2, NM_030621.4); c.5365-195G>A (NM_001195573.1); short protein forms G1809E.
Identifiers: ClinVar variation 933080 (VCV000933080.3), dbSNP rs1889810279, ClinGen allele CA390864680.